The following is an entry in ClinVar:

ClinVar aggregate classification (germline): Benign. Review status: criteria provided, multiple submitters, no conflicts (2 of 4 stars). 2 submissions from 2 submitters: Benign (2). Last evaluated 2018-01-12.

Conditions:
Fraser syndrome 1 (FRASRS1). Also called: CRYPTOPHTHALMOS WITH OTHER MALFORMATIONS. Identifiers: Orphanet 2052, MedGen C4551480, MONDO:0054737, OMIM 219000.

Allele frequency attached by ClinVar (database versions not stated): gnomAD exomes 0.04670; gnomAD 0.12730; TOPMed 0.13660; 1000 Genomes Project 30x 0.18504; 1000 Genomes Project 0.18530.
gnomAD v4.1: 19,093 of 152,538 alleles (13%); highest among the groups gnomAD compares: East Asian, 31%; 2,265 homozygotes.

Submissions (2):

Illumina Laboratory Services, Illumina
Classification: Benign for Fraser syndrome 1. Last evaluated: 2018-01-12. Review status: criteria provided, single submitter. Criteria: ICSL Variant Classification Criteria 13 December 2019. Collection method: clinical testing. Allele origin: germline.
Comment: This variant was observed in the ICSL laboratory as part of a predisposition screen in an ostensibly healthy population. It had not been previously curated by ICSL or reported in the Human Gene Mutation Database (HGMD: prior to June 1st, 2018), and was therefore a candidate for classification through an automated scoring system. Utilizing variant allele frequency, disease prevalence and penetrance estimates, and inheritance mode, an automated score was calculated to assess if this variant is too frequent to cause the disease. Based on the score and internal cut-off values, a variant classified as benign is not then subjected to further curation. The score for this variant resulted in a classification of benign for this disease.

Breakthrough Genomics
Classification: Benign. Review status: criteria provided, single submitter. Criteria: ACMG Guidelines, 2015. Collection method: not provided. Allele origin: germline. Inheritance: Autosomal recessive inheritance. Affected: yes.

NM_025074.7(FRAS1):c.*1301G>A

Gene: FRAS1 (Fraser extracellular matrix complex subunit 1; plus strand). Cytogenetic location: 4q21.21.
Variant type: single nucleotide variant.
Coding change: c.*1301G>A on transcript NM_025074.7 (MANE Select); 1301 bases downstream of the stop codon, G replaced by A.
Molecular consequence: 3 prime UTR variant.
Genome position (GRCh38, 1-based): chr4:78,542,425, G>A. VCF-style: chr4-78542425-G-A. GRCh37 (hg19) VCF-style: chr4-79463579-G-A.
Identifiers: ClinVar variation 349848 (VCV000349848.6), dbSNP rs3210826, ClinGen allele CA10621797.